The following is an entry in ClinVar:

NM_000051.4(ATM):c.6742A>T (p.Lys2248Ter)

Genes: C11orf65 (chromosome 11 open reading frame 65; minus strand), ATM (ATM serine/threonine kinase; plus strand). Cytogenetic location: 11q22.3.
Variant type: single nucleotide variant.
Coding change: c.6742A>T on transcript NM_000051.4 (MANE Select); coding-DNA position 6742, A replaced by T.
Protein change: p.Lys2248Ter; replaces lysine 2248 with a stop codon.
Molecular consequence: nonsense. On other transcripts: intron variant (2).
Genome position (GRCh38, 1-based): chr11:108,325,479, A>T. VCF-style: chr11-108325479-A-T. GRCh37 (hg19) VCF-style: chr11-108196206-A-T.
Other names: c.6742A>T, p.Lys2248Ter (NM_001351834.2); c.641-16408T>A (NM_001330368.2); c.*38+9741T>A (NM_001351110.2); short protein forms K2248*.
Identifiers: ClinVar variation 2862191 (VCV002862191.4), dbSNP rs1555119232, ClinGen allele CA382555192.

ClinVar aggregate classification (germline): Pathogenic. Review status: criteria provided, multiple submitters, no conflicts (2 of 4 stars). 2 submissions from 2 submitters: Pathogenic (2). Last evaluated 2024-01-30.

Conditions:
Ataxia-telangiectasia syndrome (AT). Also called: ATAXIA-TELANGIECTASIA, COMPLEMENTATION GROUP A; ATAXIA-TELANGIECTASIA, FRESNO VARIANT; Ataxia-telangiectasia; Ataxia-telangiectasia, complementation group E; LOUIS-BAR SYNDROME; Cerebello-oculocutaneous telangiectasia. Identifiers: Orphanet 100, MedGen C0004135, MONDO:0008840, OMIM 208900.
Familial cancer of breast. Also called: BREAST CANCER, FAMILIAL; Hereditary breast cancer; hereditary breast carcinoma. Identifiers: Orphanet 227535, MedGen C0346153, MONDO:0016419, OMIM 114480. Disease mechanism: loss of function.

Submissions (2):

Myriad Genetics, Inc.
Classification: Pathogenic for Familial cancer of breast. Last evaluated: 2024-01-30. Review status: criteria provided, single submitter. Criteria: Myriad Autosomal Dominant, Autosomal Recessive and X-Linked Classification Criteria (2023). Collection method: clinical testing. Allele origin: unknown.
Comment: This variant is considered pathogenic. This variant creates a termination codon and is predicted to result in premature protein truncation.

Labcorp Genetics (formerly Invitae), Labcorp
Classification: Pathogenic for Ataxia-telangiectasia syndrome. Last evaluated: 2023-05-05. Review status: criteria provided, single submitter. Criteria: Invitae Variant Classification Sherloc (09022015). Collection method: clinical testing. Allele origin: germline.
Comment: For these reasons, this variant has been classified as Pathogenic. This variant has not been reported in the literature in individuals affected with ATM-related conditions. This variant is not present in population databases (gnomAD no frequency). This sequence change creates a premature translational stop signal (p.Lys2248*) in the ATM gene. It is expected to result in an absent or disrupted protein product. Loss-of-function variants in ATM are known to be pathogenic (PMID: 23807571, 25614872).

Literature cited by the submitters: PubMed 23807571 (cited by Labcorp Genetics (formerly Invitae), Labcorp); PubMed 25614872 (cited by Labcorp Genetics (formerly Invitae), Labcorp).